The following is an entry in ClinVar:

NM_000203.5(IDUA):c.792+1G>C

Gene: IDUA (alpha-L-iduronidase; plus strand). Cytogenetic location: 4p16.3.
Variant type: single nucleotide variant.
Coding change: c.792+1G>C on transcript NM_000203.5 (MANE Select); the canonical splice donor site of the intron after coding-DNA position 792, G replaced by C.
Molecular consequence: splice donor variant.
Genome position (GRCh38, 1-based): chr4:1,001,882, G>C. VCF-style: chr4-1001882-G-C. GRCh37 (hg19) VCF-style: chr4-995670-G-C.
Other names: NM_001363576.1:c.396+1G>C; c.396+1G>C (NM_001363576.1).
Identifiers: ClinVar variation 4539816 (VCV004539816.3).

ClinVar aggregate classification (germline): Pathogenic. Review status: reviewed by expert panel (3 of 4 stars). 3 submissions from 3 submitters: Pathogenic (1). 2 of the submissions do not count toward it. Last evaluated 2025-12-01.

Conditions:
Mucopolysaccharidosis type 1. Also called: IDUA deficiency; MPS I; Mucopolysaccharidosis Type I. Identifiers: Orphanet 579, MedGen C0023786, MONDO:0001586.

Submissions (3):

ClinGen Lysosomal Storage Disorder Variant Curation Expert Panel
Classification: Pathogenic for Mucopolysaccharidosis type 1. Last evaluated: 2025-12-01. Review status: reviewed by expert panel. Criteria: ClinGen LSD ACMG Specifications IDUA V1.1.0. Collection method: curation. Allele origin: germline. Inheritance: Autosomal recessive inheritance.
Comment: The NM_000203.5:c.792+1G>C variant in IDUA occurs within the canonical splice donor site of intron 6. It is predicted to cause skipping of biologically-relevant-exon 6 out of 14, resulting in a frameshift leading to nonsense mediated decay in a gene in which loss-of-function is an established disease mechanism (PVS1). A different nucleotide change within the same splice donor dinucleotide, c.792+1G>T (PMID: 21734815), is classified as pathogenic for MPS I by the ClinGen Lysosomal Diseases VCEP (PS1_Supporting). This variant has been detected in 3 individuals with MPS I. Of those individuals, 2 were compound heterozygous for the variant and a variant in IDUA that has been classified as pathogenic or likely pathogenic variant for MPS I by the ClinGen LD VCEP; 1 was compound heterozygous for the variant and a variant that has not undergone classification by the ClinGen LD VCEP. The second variant included c.46_57del (p.Ser16_Ala19del, ClinVar ID:92643), c.236C>T (p.A79V, ClinVar ID:1458769), c.1-2C>G (PMID:21480867). Total of 0.75 points (PM3_Supporting). At least 3 patient(s) with this variant had documented IDUA deficiency within the affected range in leukocytes, and clinical features specific to MPS I including hepatosplenomegaly and arthropathy/joint stiffness (PP4). This variant is absent in gnomAD v4.1.0. (PM2_Supporting). In summary, this variant meets the criteria to be classified as pathogenic for MPS I based on the IDUA-specific ACMG/AMP criteria applied, as specified by the ClinGen Lysosomal Diseases Variant Curation Expert Panel (Specifications Version 1.0.0): PVS1, PS1_Supporting, PM3_Supporting, PP4, PM2_Supporting. (Classification approved by the ClinGen Lysosomal Diseases Variant Curation Expert Panel on December 1, 2025)

Myriad Genetics, Inc.
Classification: Pathogenic for Mucopolysaccharidosis type 1. Last evaluated: 2025-10-29. Review status: criteria provided, single submitter. Criteria: Myriad Autosomal Dominant, Autosomal Recessive and X-Linked Classification Criteria (2023). Collection method: clinical testing. Allele origin: unknown. Not counted in ClinVar's aggregate classification.
Comment: NM_000203.3(IDUA):c.792+1G>C is a variant in a canonical splice site classified as pathogenic in the context of mucopolysaccharidosis type I. c.792+1G>C has been observed in cases with relevant disease (PMID: 21480867). Relevant functional assessments of this variant are not available in the literature. c.792+1G>C has not been observed in referenced population frequency databases. In summary, NM_000203.3(IDUA):c.792+1G>C is a variant in a canonical splice site in a gene where loss of function is a known mechanism of disease, is predicted to disrupt protein function, and has been observed more frequently in cases with the relevant disease than in healthy populations. Please note: this variant was assessed in the context of healthy population screening.

Labcorp Genetics (formerly Invitae), Labcorp
Classification: Pathogenic for Mucopolysaccharidosis type 1. Last evaluated: 2025-10-16. Review status: criteria provided, single submitter. Criteria: Invitae Variant Classification Sherloc (09022015). Collection method: clinical testing. Allele origin: germline. Not counted in ClinVar's aggregate classification.
Comment: This sequence change affects a donor splice site in intron 6 of the IDUA gene. It is expected to disrupt RNA splicing. Variants that disrupt the donor or acceptor splice site typically lead to a loss of protein function (PMID: 16199547), and loss-of-function variants in IDUA are known to be pathogenic (PMID: 11735025, 21480867). This variant is not present in population databases (gnomAD no frequency). Disruption of this splice site has been observed in individual(s) with mucopolysaccharidosis type I (PMID: 21480867). Algorithms developed to predict the effect of sequence changes on RNA splicing suggest that this variant may disrupt the consensus splice site. For these reasons, this variant has been classified as Pathogenic.

Literature cited by the submitters: PubMed 21480867 (cited by Myriad Genetics, Inc. and Labcorp Genetics (formerly Invitae), Labcorp); PubMed 16199547 (cited by Labcorp Genetics (formerly Invitae), Labcorp); PubMed 11735025 (cited by Labcorp Genetics (formerly Invitae), Labcorp).